The following is an entry in ClinVar:

NM_000135.4(FANCA):c.2470T>C (p.Cys824Arg)

Gene: FANCA (FA complementation group A; minus strand). Cytogenetic location: 16q24.3.
Variant type: single nucleotide variant.
Coding change: c.2470T>C on transcript NM_000135.4 (MANE Select); coding-DNA position 2470, T replaced by C.
Protein change: p.Cys824Arg; replaces cysteine 824 with arginine.
Molecular consequence: missense variant.
Genome position (GRCh38, 1-based): chr16:89,769,871, A>G on the plus strand (T>C on the coding strand, the complement: FANCA is on the minus strand). VCF-style: chr16-89769871-A-G. GRCh37 (hg19) VCF-style: chr16-89836279-A-G.
Other names: c.2470T>C, p.Cys824Arg (NM_001286167.3); short protein forms C824R.
Identifiers: ClinVar variation 4067945 (VCV004067945.2).
Genomic context (GRCh38, chr16:89,769,871, plus strand): 5'-GACGCGACTGTGGAAGAAGAGCTCACTTCAGGCAGAAGAACAAGGAATCCCTCGTCCTAC[A>G]GGTCAGGAGGCTGTCAAAGAGCGCAGGGACAGGAAGGCCAGCACCAGGTGCAGGAGGACC-3'
Protein context (NP_000126.2, residues 814-834): VPALFDSLLT[Cys824Arg]RTRDSLFFCL

ClinVar aggregate classification (germline): Likely pathogenic (1 of 4 stars; one submission).

Conditions:
Fanconi anemia (FA). Also called: Fanconi's anemia. Identifiers: Orphanet 84, MedGen C0015625, MeSH D005199, MONDO:0019391.

gnomAD v4.1: 1 of 1,614,168 alleles (0.000062%); highest among the groups gnomAD compares: Non-Finnish European, 0.000085%; no homozygotes.

Submission:

Natera, Inc.
Classification: Likely pathogenic for Fanconi anemia. Last evaluated: 2025-04-29. Review status: criteria provided, single submitter. Criteria: Natera Variant Classification Schema (03/2026). Collection method: clinical testing. Allele origin: germline.
Comment: The c.2470T>C variant in FANCA is a missense variant predicted to cause substitution of cysteine to arginine at amino acid 824. This variant is rare in the general population with a frequency below the threshold expected for the associated phenotype(s). This variant has been observed in one or more individuals affected with the associated recessive disease, as either homozygous or compound heterozygous with a second variant (PMID: 38740980). This variant has been identified in one or more affected individual with a phenotype highly consistent with the associated gene (PMID:38740980). Computational prediction algorithms indicate this variant is likely to affect gene or protein function. Given the available evidence, this variant is classified as Likely Pathogenic.

Literature cited by the submitters: PubMed 38740980.